The following is an entry in ClinVar:

ClinVar aggregate classification (germline): Likely benign. Review status: criteria provided, single submitter (1 of 4 stars). 2 submissions from 2 submitters: Likely benign (1). 1 of the submissions does not count toward it. Last evaluated 2026-06-01.

Conditions:
ARID1B-Related Disorder. Identifiers: MedGen CN381337.

gnomAD v4.1: 3 of 1,398,836 alleles (0.00021%); highest among the groups gnomAD compares: Non-Finnish European, 0.00028%; no homozygotes.

Submissions (2):

CeGaT Center for Human Genetics Tuebingen
Classification: Likely benign. Last evaluated: 2026-06-01. Review status: criteria provided, single submitter. Criteria: CeGaT Center For Human Genetics Tuebingen Variant Classification Criteria Version 2. Collection method: clinical testing. Allele origin: germline. Affected: yes. Observed: 2 variant alleles.
Comment: ARID1B: BP4, BP7

PreventionGenetics, part of Exact Sciences
Classification: Likely benign for ARID1B-related condition. Last evaluated: 2019-06-18. Review status: no assertion criteria provided. Collection method: clinical testing. Allele origin: germline. Not counted in ClinVar's aggregate classification.
Comment: This variant is classified as likely benign based on ACMG/AMP sequence variant interpretation guidelines (Richards et al. 2015 PMID: 25741868, with internal and published modifications).

NM_001374828.1(ARID1B):c.1188C>A (p.Gly396=)

Gene: ARID1B (AT-rich interaction domain 1B; plus strand). Cytogenetic location: 6q25.3.
Variant type: single nucleotide variant.
Coding change: c.1188C>A on transcript NM_001374828.1 (MANE Select); coding-DNA position 1188, C replaced by A.
Protein change: p.Gly396=; no amino-acid change (glycine 396 retained).
Molecular consequence: synonymous variant.
Genome position (GRCh38, 1-based): chr6:156,778,868, C>A. VCF-style: chr6-156778868-C-A. GRCh37 (hg19) VCF-style: chr6-157100002-C-A.
Other names: c.939C>A, p.Gly313= (NM_001346813.1, NM_020732.3); c.1188C>A, p.Gly396= (NM_001371656.1, NM_001374820.1, NM_017519.3); c.765C>A, p.Gly255= (NM_175863.2).
Identifiers: ClinVar variation 3034313 (VCV003034313.17), dbSNP rs1305647870, ClinGen allele CA452989581.
Genomic context (GRCh38, chr6:156,778,868, plus strand): 5'-CCAGTGCAACCATTATCCGGGCTACAGCCGGCCCGGCGCGGGCGGCGGCGGCGGCGGCGG[C>A]GGCGGAGGAGGAGGAGGCAGCGGAGGAGGAGGAGGAGGAGGAGGAGCAGGAGCAGGAGGA-3'
Protein context (NP_001361757.1, residues 386-406): RPGAGGGGGG[Gly396=]GGGGGGSGGG